The following is an entry in ClinVar:

ClinVar aggregate classification (germline): Uncertain significance (1 of 4 stars; one submission).

Allele frequency attached by ClinVar (database versions not stated): gnomAD 0.00001 and 0.00003; gnomAD exomes 0.00004 and 0.00012; TOPMed 0.00004; ExAC 0.00006; 1000 Genomes Project 30x 0.00016; 1000 Genomes Project 0.00020.
gnomAD v4.1: 170 of 1,614,160 alleles (0.011%); highest among the groups gnomAD compares: Non-Finnish European, 0.014%; no homozygotes.

Submission:

Labcorp Genetics (formerly Invitae), Labcorp
Classification: Uncertain significance. Last evaluated: 2025-06-12. Review status: criteria provided, single submitter. Criteria: Invitae Variant Classification Sherloc (09022015). Collection method: clinical testing. Allele origin: germline.
Comment: This sequence change replaces glutamic acid, which is acidic and polar, with lysine, which is basic and polar, at codon 366 of the CSF2RB protein (p.Glu366Lys). This variant is present in population databases (rs146404001, gnomAD 0.008%). This variant has not been reported in the literature in individuals affected with CSF2RB-related conditions. ClinVar contains an entry for this variant (Variation ID: 1433410). Invitae Evidence Modeling of protein sequence and biophysical properties (such as structural, functional, and spatial information, amino acid conservation, physicochemical variation, residue mobility, and thermodynamic stability) indicates that this missense variant is not expected to disrupt CSF2RB protein function with a negative predictive value of 80%. In summary, the available evidence is currently insufficient to determine the role of this variant in disease. Therefore, it has been classified as a Variant of Uncertain Significance.

NM_000395.3(CSF2RB):c.1096G>A (p.Glu366Lys)

Gene: CSF2RB (colony stimulating factor 2 receptor subunit beta; plus strand). Cytogenetic location: 22q12.3.
Variant type: single nucleotide variant.
Coding change: c.1096G>A on transcript NM_000395.3 (MANE Select); coding-DNA position 1096, G replaced by A.
Protein change: p.Glu366Lys; replaces glutamic acid 366 with lysine.
Molecular consequence: missense variant.
Genome position (GRCh38, 1-based): chr22:36,932,848, G>A. VCF-style: chr22-36932848-G-A. GRCh37 (hg19) VCF-style: chr22-37328890-G-A.
Other names: short protein forms E366K.
Identifiers: ClinVar variation 1433410 (VCV001433410.6), dbSNP rs146404001, ClinGen allele CA10213695.